The following is an entry in ClinVar:

NM_001039348.3(EFEMP1):c.380G>A (p.Gly127Asp)

Gene: EFEMP1 (EGF-like fibulin extracellular matrix protein 1; minus strand). Cytogenetic location: 2p16.1.
Variant type: single nucleotide variant.
Coding change: c.380G>A on transcript NM_001039348.3 (MANE Select); coding-DNA position 380, G replaced by A.
Protein change: p.Gly127Asp; replaces glycine 127 with aspartic acid.
Molecular consequence: missense variant.
Genome position (GRCh38, 1-based): chr2:55,917,802, C>T on the plus strand (G>A on the coding strand, the complement: EFEMP1 is on the minus strand). VCF-style: chr2-55917802-C-T. GRCh37 (hg19) VCF-style: chr2-56144937-C-T.
Other names: c.380G>A, p.Gly127Asp (NM_001039349.3); short protein forms G127D.
Identifiers: ClinVar variation 3651143 (VCV003651143.2).

ClinVar aggregate classification (germline): Uncertain significance (1 of 4 stars; one submission).

Submission:

Labcorp Genetics (formerly Invitae), Labcorp
Classification: Uncertain significance. Last evaluated: 2024-04-25. Review status: criteria provided, single submitter. Criteria: Invitae Variant Classification Sherloc (09022015). Collection method: clinical testing. Allele origin: germline.
Comment: This sequence change replaces glycine, which is neutral and non-polar, with aspartic acid, which is acidic and polar, at codon 127 of the EFEMP1 protein (p.Gly127Asp). This variant is not present in population databases (gnomAD no frequency). This variant has not been reported in the literature in individuals affected with EFEMP1-related conditions. An algorithm developed to predict the effect of missense changes on protein structure and function (PolyPhen-2) suggests that this variant is likely to be disruptive. In summary, the available evidence is currently insufficient to determine the role of this variant in disease. Therefore, it has been classified as a Variant of Uncertain Significance.